The following is an entry in ClinVar:

NM_057176.3(BSND):c.554T>C (p.Leu185Pro)

Gene: BSND (barttin CLCNK type accessory subunit beta; plus strand). Cytogenetic location: 1p32.3.
Variant type: single nucleotide variant.
Coding change: c.554T>C on transcript NM_057176.3 (MANE Select); coding-DNA position 554, T replaced by C.
Protein change: p.Leu185Pro; replaces leucine 185 with proline.
Molecular consequence: missense variant.
Genome position (GRCh38, 1-based): chr1:55,008,219, T>C. VCF-style: chr1-55008219-T-C. GRCh37 (hg19) VCF-style: chr1-55473892-T-C.
Other names: short protein forms L185P.
Identifiers: ClinVar variation 2051928 (VCV002051928.4), dbSNP rs1644401337, ClinGen allele CA340477696.
Genomic context (GRCh38, chr1:55,008,219, plus strand): 5'-ACCCAGGCATTCTGACTCAGAGATACCCTTGCCCTTGTGGTCTTTGTCCCTGCAGCCCCC[T>C]GGCCTGTCCCCAGGGCCCTGCCCCCTTGGCTTCCTTCCAAGATGACCTGGACATGGACTC-3'
Protein context (NP_476517.1, residues 175-195): RRLTQSWPGP[Leu185Pro]ACPQGPAPLA

ClinVar aggregate classification (germline): Uncertain significance (1 of 4 stars; one submission).

Submission:

Labcorp Genetics (formerly Invitae), Labcorp
Classification: Uncertain significance. Last evaluated: 2024-11-05. Review status: criteria provided, single submitter. Criteria: Invitae Variant Classification Sherloc (09022015). Collection method: clinical testing. Allele origin: germline.
Comment: This sequence change replaces leucine, which is neutral and non-polar, with proline, which is neutral and non-polar, at codon 185 of the BSND protein (p.Leu185Pro). This variant is not present in population databases (gnomAD no frequency). This variant has not been reported in the literature in individuals affected with BSND-related conditions. ClinVar contains an entry for this variant (Variation ID: 2051928). Invitae Evidence Modeling of protein sequence and biophysical properties (such as structural, functional, and spatial information, amino acid conservation, physicochemical variation, residue mobility, and thermodynamic stability) indicates that this missense variant is not expected to disrupt BSND protein function with a negative predictive value of 80%. In summary, the available evidence is currently insufficient to determine the role of this variant in disease. Therefore, it has been classified as a Variant of Uncertain Significance.